The following is an entry in ClinVar:

ClinVar aggregate classification (germline): Benign (1 of 4 stars; one submission).

Allele frequency attached by ClinVar (database versions not stated): 1000 Genomes Project 30x 0.35946; TOPMed 0.36786; gnomAD 0.36899 and 0.37476; 1000 Genomes Project 0.36921.
gnomAD v4.1: 56,948 of 151,918 alleles (37%); highest among the groups gnomAD compares: East Asian, 48%; 11,647 homozygotes.

Submission:

GeneDx
Classification: Benign. Last evaluated: 2018-06-19. Review status: criteria provided, single submitter. Criteria: GeneDx Variant Classification (06012015). Collection method: clinical testing. Allele origin: germline. Affected: yes.
Comment: This variant is considered likely benign or benign based on one or more of the following criteria: it is a conservative change, it occurs at a poorly conserved position in the protein, it is predicted to be benign by multiple in silico algorithms, and/or has population frequency not consistent with disease.

NM_000642.3(AGL):c.2309-295A>C

Gene: AGL (amylo-alpha-1,6-glucosidase and 4-alpha-glucanotransferase; plus strand). Cytogenetic location: 1p21.2.
Variant type: single nucleotide variant.
Coding change: c.2309-295A>C on transcript NM_000642.3 (MANE Select); 295 bases into the intron before coding-DNA position 2309, A replaced by C.
Molecular consequence: intron variant.
Genome position (GRCh38, 1-based): chr1:99,883,825, A>C. VCF-style: chr1-99883825-A-C. GRCh37 (hg19) VCF-style: chr1-100349381-A-C.
Other names: c.2309-295A>C (NM_000643.3, NM_000644.3, NM_001425326.1 and 2 more transcripts); c.2261-295A>C (NM_000646.3); c.2108-295A>C (NM_001425327.1); c.2105-295A>C (NM_001425328.1, NM_001425329.1); c.1931-295A>C (NM_001425332.1).
Identifiers: ClinVar variation 682726 (VCV000682726.1), dbSNP rs17409324, ClinGen allele CA10734681.